The following is an entry in ClinVar:

ClinVar aggregate classification (germline): Uncertain significance (1 of 4 stars; one submission).

Allele frequency attached by ClinVar (database versions not stated): gnomAD 0.00001; TOPMed 0.00001.
gnomAD v4.1: 3 of 1,462,898 alleles (0.00021%); highest among the groups gnomAD compares: Non-Finnish European, 0.00027%; no homozygotes.

Submission:

GeneDx
Classification: Uncertain significance. Last evaluated: 2020-02-07. Review status: criteria provided, single submitter. Criteria: GeneDx Variant Classification Process June 2021. Collection method: clinical testing. Allele origin: germline. Affected: yes.
Comment: Not observed in large population cohorts (Lek et al., 2016); In silico analysis supports that this missense variant does not alter protein structure/function; Has not been previously published as pathogenic or benign to our knowledge

NM_005257.6(GATA6):c.941C>G (p.Ser314Trp)

Gene: GATA6 (GATA binding protein 6; plus strand). Cytogenetic location: 18q11.2.
Variant type: single nucleotide variant.
Coding change: c.941C>G on transcript NM_005257.6 (MANE Select); coding-DNA position 941, C replaced by G.
Protein change: p.Ser314Trp; replaces serine 314 with tryptophan.
Molecular consequence: missense variant.
Genome position (GRCh38, 1-based): chr18:22,172,085, C>G. VCF-style: chr18-22172085-C-G. GRCh37 (hg19) VCF-style: chr18-19752046-C-G.
Other names: short protein forms S314W.
Identifiers: ClinVar variation 1313904 (VCV001313904.2), dbSNP rs1158674799, ClinGen allele CA401801457.
Genomic context (GRCh38, chr18:22,172,085, plus strand): 5'-GCGGCGGCGGCAGTAGCCTGGCGGCCATGGGCGGCCGCGAGCCCCAGTACAGCTCGCTGT[C>G]GGCCGCGCGGCCGCTGAACGGGACGTACCACCACCACCACCACCACCACCACCACCATCC-3'
Protein context (NP_005248.2, residues 304-324): GGREPQYSSL[Ser314Trp]AARPLNGTYH